The following is an entry in ClinVar:

ClinVar aggregate classification (germline): Uncertain significance. Review status: criteria provided, multiple submitters, no conflicts (2 of 4 stars). 2 submissions from 2 submitters: Uncertain significance (2). Last evaluated 2025-02-16.

Conditions:
Inborn genetic diseases. Identifiers: MedGen C0950123, MeSH D030342.

Submissions (2):

Ambry Genetics
Classification: Uncertain significance for Inborn genetic diseases. Last evaluated: 2025-02-16. Review status: criteria provided, single submitter. Criteria: Ambry Variant Classification Scheme 2023. Collection method: clinical testing. Allele origin: germline.
Comment: The p.N1323H variant (also known as c.3967A>C), located in coding exon 27 of the ANKRD26 gene, results from an A to C substitution at nucleotide position 3967. The asparagine at codon 1323 is replaced by histidine, an amino acid with similar properties. This amino acid position is conserved. In addition, this alteration is predicted to be tolerated by in silico analysis. Based on the available evidence, the clinical significance of this variant remains unclear.

GeneDx
Classification: Uncertain significance. Last evaluated: 2024-02-27. Review status: criteria provided, single submitter. Criteria: GeneDx Variant Classification Process June 2021. Collection method: clinical testing. Allele origin: germline. Affected: yes.
Comment: Not observed at significant frequency in large population cohorts (gnomAD); In silico analysis supports that this missense variant does not alter protein structure/function; Has not been previously published as pathogenic or benign to our knowledge

NM_014915.3(ANKRD26):c.3967A>C (p.Asn1323His)

Gene: ANKRD26 (ankyrin repeat domain containing 26; minus strand). Cytogenetic location: 10p12.1.
Variant type: single nucleotide variant.
Coding change: c.3967A>C on transcript NM_014915.3 (MANE Select); coding-DNA position 3967, A replaced by C.
Protein change: p.Asn1323His; replaces asparagine 1323 with histidine.
Molecular consequence: missense variant.
Genome position (GRCh38, 1-based): chr10:27,028,857, T>G on the plus strand (A>C on the coding strand, the complement: ANKRD26 is on the minus strand). VCF-style: chr10-27028857-T-G. GRCh37 (hg19) VCF-style: chr10-27317786-T-G.
Other names: c.3964A>C, p.Asn1322His (NM_001256053.2); short protein forms N1322H, N1323H.
Identifiers: ClinVar variation 3369867 (VCV003369867.2).
Genomic context (GRCh38, chr10:27,028,857, plus strand): 5'-TACTAAAGCAATAAAATTCCTTTTCAGTACGACAGAAATTAAGTGGCTGACTTACCAAAT[T>G]TGCATTTAACAGGTTTTTCTGAAGCTCCTCAATTTTGTCCATTTGCTTTTTGACTGTAAC-3'
Protein context (NP_055730.2, residues 1313-1333): EELQKNLLNA[Asn1323His]LSEDEKEQLK